The following is an entry in ClinVar:

ClinVar aggregate classification (germline): Pathogenic (1 of 4 stars; one submission).

Conditions:
Tumor predisposition syndrome 3 (TPDS3). Also called: LONG TELOMERE SYNDROME, POT1-RELATED; POT1 Tumor Predisposition; Glioma susceptibility 9; Melanoma, cutaneous malignant, susceptibility to, 10. Identifiers: Orphanet 618, MedGen C4014476, MONDO:0014368, OMIM 615848.

Submission:

Labcorp Genetics (formerly Invitae), Labcorp
Classification: Pathogenic for Tumor predisposition syndrome 3. Last evaluated: 2021-08-25. Review status: criteria provided, single submitter. Criteria: Invitae Variant Classification Sherloc (09022015). Collection method: clinical testing. Allele origin: germline.
Comment: This variant has not been reported in the literature in individuals affected with POT1-related conditions. This sequence change creates a premature translational stop signal (p.Gly40*) in the POT1 gene. It is expected to result in an absent or disrupted protein product. Loss-of-function variants in POT1 are known to be pathogenic (PMID: 32155570). This variant is not present in population databases (ExAC no frequency). For these reasons, this variant has been classified as Pathogenic.

Literature cited by the submitters: PubMed 32155570.

NM_015450.3(POT1):c.118G>T (p.Gly40Ter)

Gene: POT1 (protection of telomeres 1; minus strand). Cytogenetic location: 7q31.33.
Variant type: single nucleotide variant.
Coding change: c.118G>T on transcript NM_015450.3 (MANE Select); coding-DNA position 118, G replaced by T.
Protein change: p.Gly40Ter; replaces glycine 40 with a stop codon.
Molecular consequence: nonsense. On other transcripts: 5 prime UTR variant (1), non-coding transcript variant (3).
Genome position (GRCh38, 1-based): chr7:124,892,272, C>A on the plus strand (G>T on the coding strand, the complement: POT1 is on the minus strand). VCF-style: chr7-124892272-C-A. GRCh37 (hg19) VCF-style: chr7-124532326-C-A.
Other names: c.-145G>T (NM_001042594.2); short protein forms G40*.
Identifiers: ClinVar variation 1451887 (VCV001451887.6), dbSNP rs1796390355, ClinGen allele CA369065951.